The following is an entry in ClinVar:

NM_005223.4(DNASE1):c.300G>A (p.Glu100=)

Gene: DNASE1 (deoxyribonuclease 1; plus strand). Cytogenetic location: 16p13.3.
Variant type: single nucleotide variant.
Coding change: c.300G>A on transcript NM_005223.4 (MANE Select); coding-DNA position 300, G replaced by A.
Protein change: p.Glu100=; no amino-acid change (glutamic acid 100 retained).
Molecular consequence: synonymous variant. On other transcripts: non-coding transcript variant (2).
Genome position (GRCh38, 1-based): chr16:3,656,165, G>A. VCF-style: chr16-3656165-G-A. GRCh37 (hg19) VCF-style: chr16-3706166-G-A.
Other names: p.Glu100=; c.300G>A, p.Glu100= (NM_001351825.2, NM_001387135.1, NM_001387139.1 and 1 more transcripts); c.93G>A, p.Glu31= (NM_001387141.1); c.300G>A (NM_005223.3).
Identifiers: ClinVar variation 1694785 (VCV001694785.32), dbSNP rs144007099, ClinGen allele CA7867166.
Genomic context (GRCh38, chr16:3,656,165, plus strand): 5'-TGCACCAGACACCTATCACTACGTGGTCAGTGAGCCACTGGGACGGAACAGCTATAAGGA[G>A]CGCTACCTGTTCGTGTACAGGTGGGTGGTCTAGAAAGCCAGGAAGCCCCTCCCTCACCTG-3'
Protein context (NP_005214.2, residues 90-110): SEPLGRNSYK[Glu100=]RYLFVYRPDQ

ClinVar aggregate classification (germline): Likely benign. Review status: criteria provided, multiple submitters, no conflicts (2 of 4 stars). 2 submissions from 2 submitters: Likely benign (2). Last evaluated 2025-09-01.

Allele frequency attached by ClinVar (database versions not stated): TOPMed 0.00034; gnomAD 0.00036 and 0.00039; gnomAD exomes 0.00043 and 0.00062; ESP Exome Variant Server 0.00046; ExAC 0.00062.
gnomAD v4.1: 957 of 1,613,964 alleles (0.059%); highest among the groups gnomAD compares: Middle Eastern, 0.099%; 4 homozygotes.

Submissions (2):

Mayo Clinic Laboratories, Mayo Clinic
Classification: Likely benign. Last evaluated: 2025-09-01. Review status: criteria provided, single submitter. Criteria: ACMG Guidelines, 2015. Collection method: clinical testing. Allele origin: germline. Observed: 1 variant allele.
Comment: BP4, BP7

CeGaT Center for Human Genetics Tuebingen
Classification: Likely benign. Last evaluated: 2023-12-01. Review status: criteria provided, single submitter. Criteria: CeGaT Center For Human Genetics Tuebingen Variant Classification Criteria Version 2. Collection method: clinical testing. Allele origin: germline. Affected: yes. Observed: 3 variant alleles.
Comment: DNASE1: BP4, BP7